The following is an entry in ClinVar:

NM_170606.3(KMT2C):c.2388G>C (p.Met796Ile)

Gene: KMT2C (lysine methyltransferase 2C; minus strand). Cytogenetic location: 7q36.1.
Variant type: single nucleotide variant.
Coding change: c.2388G>C on transcript NM_170606.3 (MANE Select); coding-DNA position 2388, G replaced by C.
Protein change: p.Met796Ile; replaces methionine 796 with isoleucine.
Molecular consequence: missense variant.
Genome position (GRCh38, 1-based): chr7:152,248,046, C>G on the plus strand (G>C on the coding strand, the complement: KMT2C is on the minus strand). VCF-style: chr7-152248046-C-G. GRCh37 (hg19) VCF-style: chr7-151945131-C-G.
Other names: short protein forms M796I.
Identifiers: ClinVar variation 1696680 (VCV001696680.1), dbSNP rs2129163898, ClinGen allele CA370078565.

ClinVar aggregate classification (germline): Uncertain significance (1 of 4 stars; one submission).

Conditions:
Kleefstra syndrome 2 (KLEFS2). Identifiers: MedGen C4540395, MONDO:0054701, OMIM 617768.

Submission:

New York Genome Center
Classification: Uncertain significance for Kleefstra syndrome 2. Last evaluated: 2021-09-03. Review status: criteria provided, single submitter. Criteria: NYGC Assertion Criteria 2020. Collection method: clinical testing. Allele origin: germline. Observed: 1 heterozygote. Study: CSER-NYCKidSeq.
Comment: The c.2388G>C (p.Met796Ile) variant identified in the KMT2C gene substitutes a moderately conserved Methionine for Isoleucine at amino acid 796/4912 (exon 14/59). This variant is absent from gnomAD(v3.1.1) suggesting it is not a common benign variant in the populations represented in that database. In silico algorithms predict this variant to be Tolerated (SIFT; score:0.224) and Benign (REVEL; score:0.1739) to the function of the canonical transcript. This variant is absent from ClinVar and to our current knowledge has not been reported in affected individuals in the literature. The p.Met796 residue is not within a mapped domain of KMT2C (UniProtKB:Q8NEZ4). Given the lack of compelling evidence for its pathogenicity, the c.2388G>C (p.Met796Ile) variant identified in the KMT2Cgene is reported as a Variant of Uncertain Significance.